The following is an entry in ClinVar:

NM_001164277.2(SLC37A4):c.984G>A (p.Lys328=)

Gene: SLC37A4 (solute carrier family 37 member 4; minus strand). Cytogenetic location: 11q23.3.
Variant type: single nucleotide variant.
Coding change: c.984G>A on transcript NM_001164277.2 (MANE Select); coding-DNA position 984, G replaced by A.
Protein change: p.Lys328=; no amino-acid change (lysine 328 retained).
Molecular consequence: synonymous variant.
Genome position (GRCh38, 1-based): chr11:119,025,967, C>T on the plus strand (G>A on the coding strand, the complement: SLC37A4 is on the minus strand). VCF-style: chr11-119025967-C-T. GRCh37 (hg19) VCF-style: chr11-118896677-C-T.
Other names: c.984G>A, p.Lys328= (NM_001164278.2, NM_001164280.2, NM_001467.6); c.765G>A, p.Lys255= (NM_001164279.2).
Identifiers: ClinVar variation 2188417 (VCV002188417.1), dbSNP rs782743938, ClinGen allele CA6311678.
Genomic context (GRCh38, chr11:119,025,967, plus strand): 5'-GTCAGTGGCCCTTGCGTTCTCTCCTTGTGCCCTGCCGTGAGCCAGGCCTTTCTTAATTAC[C>T]TTGGGGGAGTCACTGGTCACTGTTACCCGGAAGAGGTACATGGACACTGTCATGCCAGCC-3'
Protein context (NP_001157749.1, residues 318-338): FRVTVTSDSP[Lys328=]LWILVLGAVF

ClinVar aggregate classification (germline): Uncertain significance (1 of 4 stars; one submission).

Conditions:
Glucose-6-phosphate transport defect (GSD1B). Also called: Glycogen Storage Disease Type Ib; GSD Ib. Identifiers: Orphanet 364, Orphanet 79259, MedGen C0268146, MONDO:0009288, OMIM 232220.

Allele frequency attached by ClinVar (database versions not stated): gnomAD exomes below 0.00001; gnomAD 0.00001; TOPMed 0.00001; ExAC 0.00002.

Submission:

Labcorp Genetics (formerly Invitae), Labcorp
Classification: Uncertain significance for Glucose-6-phosphate transport defect. Last evaluated: 2022-04-25. Review status: criteria provided, single submitter. Criteria: Invitae Variant Classification Sherloc (09022015). Collection method: clinical testing. Allele origin: germline.
Comment: This sequence change affects codon 328 of the SLC37A4 mRNA. It is a 'silent' change, meaning that it does not change the encoded amino acid sequence of the SLC37A4 protein. This variant also falls at the last nucleotide of exon 8, which is part of the consensus splice site for this exon. The frequency data for this variant in the population databases is considered unreliable, as metrics indicate poor data quality at this position in the gnomAD database. This variant has not been reported in the literature in individuals affected with SLC37A4-related conditions. Variants that disrupt the consensus splice site are a relatively common cause of aberrant splicing (PMID: 17576681, 9536098). Algorithms developed to predict the effect of sequence changes on RNA splicing suggest that this variant may disrupt the consensus splice site. In summary, the available evidence is currently insufficient to determine the role of this variant in disease. Therefore, it has been classified as a Variant of Uncertain Significance.

Literature cited by the submitters: PubMed 17576681; PubMed 9536098.